The following is an entry in ClinVar:

ClinVar aggregate classification (germline): Pathogenic (1 of 4 stars; one submission).

Conditions:
Neurofibromatosis, type 1 (NF1). Also called: VON RECKLINGHAUSEN DISEASE; NEUROFIBROMATOSIS, TYPE I, SOMATIC; Neurofibromatosis, type I; Peripheral type neurofibromatosis. Identifiers: Orphanet 636, MedGen C0027831, MONDO:0018975, OMIM 162200. Disease mechanism: loss of function.

Submission:

Labcorp Genetics (formerly Invitae), Labcorp
Classification: Pathogenic for Neurofibromatosis, type 1. Last evaluated: 2023-06-29. Review status: criteria provided, single submitter. Criteria: Invitae Variant Classification Sherloc (09022015). Collection method: clinical testing. Allele origin: germline.
Comment: This sequence change creates a premature translational stop signal (p.Phe1645Serfs*15) in the NF1 gene. It is expected to result in an absent or disrupted protein product. Loss-of-function variants in NF1 are known to be pathogenic (PMID: 10712197, 23913538). This variant is not present in population databases (gnomAD no frequency). This variant has not been reported in the literature in individuals affected with NF1-related conditions. ClinVar contains an entry for this variant (Variation ID: 2031585). For these reasons, this variant has been classified as Pathogenic.

Literature cited by the submitters: PubMed 10712197; PubMed 23913538.

NM_001042492.3(NF1):c.4997_4998del (p.Phe1666fs)

Gene: NF1 (neurofibromin 1; plus strand). Cytogenetic location: 17q11.2.
Variant type: Deletion.
Coding change: c.4997_4998del on transcript NM_001042492.3 (MANE Select); coding-DNA positions 4997 to 4998, 2 bases deleted (TT; older notation c.4997_4998delTT).
Protein change: p.Phe1666fs; shifts the reading frame from phenylalanine 1666.
Molecular consequence: frameshift variant.
Genome position (GRCh38, 1-based): chr17:31,325,981-31,325,982, TT deleted; deleting any 2 consecutive bases within chr17:31,325,978-31,325,982 gives the same sequence; the c. name uses the placement nearest the transcript's 3' end. VCF-style (leftmost placement, unchanged base first): chr17-31325977-GTT-G. GRCh37 (hg19) VCF-style: chr17-29652995-GTT-G.
Other names: c.4934_4935delTT, p.Phe1645Serfs (NM_000267.4); short protein forms F1645fs, F1666fs.
Identifiers: ClinVar variation 2031585 (VCV002031585.4), dbSNP rs1135402867, ClinGen allele CA2580092984.